The following is an entry in ClinVar:

NM_001165963.4(SCN1A):c.2402_2403insT (p.Val802fs)

Gene: SCN1A (sodium voltage-gated channel alpha subunit 1; minus strand). Cytogenetic location: 2q24.3.
Variant type: Insertion.
Coding change: c.2402_2403insT on transcript NM_001165963.4 (MANE Select); coding-DNA positions 2402 to 2403, T inserted.
Protein change: p.Val802fs; shifts the reading frame from valine 802.
Molecular consequence: frameshift variant. On other transcripts: 5 prime UTR variant (1), non-coding transcript variant (1).
Genome position: GRCh38 VCF-style: chr2-166041243-T-TA. GRCh37 (hg19) VCF-style: chr2-166897753-T-TA.
Other names: c.2318_2319insT, p.Val774fs (NM_001165964.3, NM_001353957.2, NM_001353958.2); c.2402_2403insT, p.Val802fs (NM_001202435.3, NM_001353948.2); c.2369_2370insT, p.Val791fs (NM_001353949.2, NM_001353950.2, NM_001353951.2 and 2 more transcripts); c.2366_2367insT, p.Val790fs (NM_001353954.2, NM_001353955.2); c.2315_2316insT, p.Val773fs (NM_001353960.2); c.-57_-56insT (NM_001353961.2); short protein forms V774fs, V773fs, V791fs, V790fs, V802fs.
Identifiers: ClinVar variation 1454056 (VCV001454056.7), dbSNP rs2105827355, ClinGen allele CA2573133507.

ClinVar aggregate classification (germline): Pathogenic (1 of 4 stars; one submission).

Conditions:
Early-infantile DEE. Also called: Early infantile epileptic encephalopathy; Ohtahara syndrome; Early infantile epileptic encephalopathy with suppression bursts. Identifiers: Orphanet 1934, MedGen C0393706, MONDO:0800491.

Submission:

Labcorp Genetics (formerly Invitae), Labcorp
Classification: Pathogenic for Early-infantile DEE. Last evaluated: 2021-05-17. Review status: criteria provided, single submitter. Criteria: Invitae Variant Classification Sherloc (09022015). Collection method: clinical testing. Allele origin: germline.
Comment: This variant has not been reported in the literature in individuals with SCN1A-related conditions. This variant is not present in population databases (ExAC no frequency). This sequence change creates a premature translational stop signal (p.Val802Serfs*35) in the SCN1A gene. It is expected to result in an absent or disrupted protein product. Loss-of-function variants in SCN1A are known to be pathogenic (PMID: 17347258, 18930999). For these reasons, this variant has been classified as Pathogenic.

Literature cited by the submitters: PubMed 17347258; PubMed 18930999.